The following is an entry in ClinVar:

NM_001160372.4(TRAPPC9):c.3204C>G (p.His1068Gln)

Gene: TRAPPC9 (trafficking protein particle complex subunit 9; minus strand). Cytogenetic location: 8q24.3.
Variant type: single nucleotide variant.
Coding change: c.3204C>G on transcript NM_001160372.4 (MANE Select); coding-DNA position 3204, C replaced by G.
Protein change: p.His1068Gln; replaces histidine 1068 with glutamine.
Molecular consequence: missense variant. On other transcripts: non-coding transcript variant (1).
Genome position (GRCh38, 1-based): chr8:139,732,054, G>C on the plus strand (C>G on the coding strand, the complement: TRAPPC9 is on the minus strand). VCF-style: chr8-139732054-G-C. GRCh37 (hg19) VCF-style: chr8-140744297-G-C.
Other names: c.3204C>G, p.His1068Gln (NM_031466.8); c.3177C>G, p.His1059Gln (NM_001321646.2); c.3225C>G, p.His1075Gln (NM_001374682.1); c.3093C>G, p.His1031Gln (NM_001374683.1); c.3060C>G, p.His1020Gln (NM_001374684.1); short protein forms H1031Q, H1075Q, H1020Q, H1068Q, H1059Q.
Identifiers: ClinVar variation 1934066 (VCV001934066.5), dbSNP rs1391326470, ClinGen allele CA372732819.

ClinVar aggregate classification (germline): Uncertain significance (1 of 4 stars; one submission).

Allele frequency attached by ClinVar (database versions not stated): TOPMed 0.00001; gnomAD 0.00002.
gnomAD v4.1: 5 of 1,604,928 alleles (0.00031%); highest among the groups gnomAD compares: African/African-American, 0.0067%; no homozygotes.

Submission:

Labcorp Genetics (formerly Invitae), Labcorp
Classification: Uncertain significance. Last evaluated: 2022-04-28. Review status: criteria provided, single submitter. Criteria: Invitae Variant Classification Sherloc (09022015). Collection method: clinical testing. Allele origin: germline.
Comment: This sequence change replaces histidine, which is basic and polar, with glutamine, which is neutral and polar, at codon 1166 of the TRAPPC9 protein (p.His1166Gln). The frequency data for this variant in the population databases is considered unreliable, as metrics indicate poor data quality at this position in the gnomAD database. This variant has not been reported in the literature in individuals affected with TRAPPC9-related conditions. Algorithms developed to predict the effect of missense changes on protein structure and function are either unavailable or do not agree on the potential impact of this missense change (SIFT: "Not Available"; PolyPhen-2: "Probably Damaging"; Align-GVGD: "Not Available"). In summary, the available evidence is currently insufficient to determine the role of this variant in disease. Therefore, it has been classified as a Variant of Uncertain Significance.